The following is an entry in ClinVar:

ClinVar aggregate classification (germline): Pathogenic (1 of 4 stars; one submission).

Conditions:
Hereditary cancer-predisposing syndrome. Also called: Neoplastic Syndromes, Hereditary; Tumor predisposition; Hereditary neoplastic syndrome; Hereditary Cancer Syndrome. Identifiers: Orphanet 140162, MedGen C0027672, MeSH D009386, MONDO:0015356.

Submission:

Color Diagnostics, LLC DBA Color Health
Classification: Pathogenic for Hereditary cancer-predisposing syndrome. Last evaluated: 2022-01-12. Review status: criteria provided, single submitter. Criteria: ACMG Guidelines, 2015. Collection method: clinical testing. Allele origin: germline.
Comment: This variant changes 1 nucleotide in exon 7 of the BRCA2 gene, creating a premature translation stop signal. This variant is expected to result in an absent or non-functional protein product. To our knowledge, this variant has not been reported in individuals affected with hereditary cancer in the literature. This variant has not been identified in the general population by the Genome Aggregation Database (gnomAD). Loss of BRCA2 function is a known mechanism of disease. Based on the available evidence, this variant is classified as Pathogenic.

NM_000059.4(BRCA2):c.544G>T (p.Glu182Ter)

Gene: BRCA2 (BRCA2 DNA repair associated; plus strand). Cytogenetic location: 13q13.1.
Variant type: single nucleotide variant.
Coding change: c.544G>T on transcript NM_000059.4 (MANE Select); coding-DNA position 544, G replaced by T.
Protein change: p.Glu182Ter; replaces glutamic acid 182 with a stop codon.
Molecular consequence: nonsense.
Genome position (GRCh38, 1-based): chr13:32,326,526, G>T. VCF-style: chr13-32326526-G-T. GRCh37 (hg19) VCF-style: chr13-32900663-G-T.
Other names: short protein forms E182*.
Identifiers: ClinVar variation 628226 (VCV000628226.4), dbSNP rs876660394, ClinGen allele CA387757870.